The following is an entry in ClinVar:

ClinVar aggregate classification (germline): Uncertain significance (1 of 4 stars; one submission).

Conditions:
Multiple endocrine neoplasia, type 1 (MEN1). Also called: MEN I; WERMER SYNDROME; Endocrine adenomatosis multiple; MEN 1; MEA I. Identifiers: Orphanet 652, MedGen C0025267, MeSH D018761, MONDO:0007540, OMIM 131100.

Submission:

Labcorp Genetics (formerly Invitae), Labcorp
Classification: Uncertain significance for Multiple endocrine neoplasia, type 1. Last evaluated: 2019-11-01. Review status: criteria provided, single submitter. Criteria: Invitae Variant Classification Sherloc (09022015). Collection method: clinical testing. Allele origin: germline.
Comment: This sequence change falls in intron 9 of the MEN1 gene. It does not directly change the encoded amino acid sequence of the MEN1 protein, but it affects a nucleotide within the consensus splice site of the intron. This variant is not present in population databases (ExAC no frequency). This variant has not been reported in the literature in individuals with MEN1-related conditions. Nucleotide substitutions within the consensus splice site are a relatively common cause of aberrant splicing (PMID: 17576681, 9536098). Algorithms developed to predict the effect of sequence changes on RNA splicing suggest that this variant may disrupt the consensus splice site, but this prediction has not been confirmed by published transcriptional studies. In summary, the available evidence is currently insufficient to determine the role of this variant in disease. Therefore, it has been classified as a Variant of Uncertain Significance.

Literature cited by the submitters: PubMed 17576681; PubMed 9536098.

NM_001370259.2(MEN1):c.1350+5G>T

Gene: MEN1 (menin 1; minus strand). Cytogenetic location: 11q13.1.
Variant type: single nucleotide variant.
Coding change: c.1350+5G>T on transcript NM_001370259.2 (MANE Select); 5 bases into the intron after coding-DNA position 1350, G replaced by T.
Molecular consequence: intron variant.
Genome position (GRCh38, 1-based): chr11:64,805,029, C>A on the plus strand (G>T on the coding strand, the complement: MEN1 is on the minus strand). VCF-style: chr11-64805029-C-A. GRCh37 (hg19) VCF-style: chr11-64572501-C-A.
Other names: c.1365+5G>T (NM_130804.3, NM_130803.3, NM_000244.4 and 3 more transcripts); c.1350+5G>T (NM_130799.3, NM_001370260.2, NM_001370261.2); c.1476+5G>T (NM_001370251.2); c.1245+5G>T (NM_001370263.2, NM_001370262.2).
Identifiers: ClinVar variation 959710 (VCV000959710.7), dbSNP rs1565639811, ClinGen allele CA1139661996.
Genomic context (GRCh38, chr11:64,805,029, plus strand): 5'-TCTGACAAGCCCGTGGCTGCTGTCACCACCTGTAGTGCCCAGACCTCTGTGCAGCTGTCC[C>A]TCACCTGTCCCTCAAAACGGCCTAGGGACTGCACAAGAAAGGTGGCCCAGCCCACATGCA-3'